The following is an entry in ClinVar:

ClinVar aggregate classification (germline): Uncertain significance (1 of 4 stars; one submission).

Allele frequency attached by ClinVar (database versions not stated): gnomAD exomes below 0.00001; TOPMed 0.00001.
gnomAD v4.1: 3 of 1,614,042 alleles (0.00019%); highest among the groups gnomAD compares: Non-Finnish European, 0.00025%; no homozygotes.

Submission:

Labcorp Genetics (formerly Invitae), Labcorp
Classification: Uncertain significance. Last evaluated: 2025-06-01. Review status: criteria provided, single submitter. Criteria: Invitae Variant Classification Sherloc (09022015). Collection method: clinical testing. Allele origin: germline.
Comment: This sequence change replaces threonine, which is neutral and polar, with alanine, which is neutral and non-polar, at codon 43 of the RECQL protein (p.Thr43Ala). This variant is not present in population databases (gnomAD no frequency). This variant has not been reported in the literature in individuals affected with RECQL-related conditions. ClinVar contains an entry for this variant (Variation ID: 1002909). An algorithm developed to predict the effect of missense changes on protein structure and function outputs the following: PolyPhen-2: "Benign". The alanine amino acid residue is found in multiple mammalian species, which suggests that this missense change does not adversely affect protein function. In summary, the available evidence is currently insufficient to determine the role of this variant in disease. Therefore, it has been classified as a Variant of Uncertain Significance.

NM_002907.4(RECQL):c.127A>G (p.Thr43Ala)

Gene: RECQL (RecQ like helicase; minus strand). Cytogenetic location: 12p12.1.
Variant type: single nucleotide variant.
Coding change: c.127A>G on transcript NM_002907.4 (MANE Select); coding-DNA position 127, A replaced by G.
Protein change: p.Thr43Ala; replaces threonine 43 with alanine.
Molecular consequence: missense variant.
Genome position (GRCh38, 1-based): chr12:21,491,606, T>C on the plus strand (A>G on the coding strand, the complement: RECQL is on the minus strand). VCF-style: chr12-21491606-T-C. GRCh37 (hg19) VCF-style: chr12-21644540-T-C.
Other names: c.127A>G, p.Thr43Ala (NM_032941.3); short protein forms T43A.
Identifiers: ClinVar variation 1002909 (VCV001002909.8), dbSNP rs1943415722, ClinGen allele CA384134505.